The following is an entry in ClinVar:

NM_001384474.1(LOXHD1):c.1571G>A (p.Arg524His)

Gene: LOXHD1 (lipoxygenase homology PLAT domains 1; minus strand). Cytogenetic location: 18q21.1.
Variant type: single nucleotide variant.
Coding change: c.1571G>A on transcript NM_001384474.1 (MANE Select); coding-DNA position 1571, G replaced by A.
Protein change: p.Arg524His; replaces arginine 524 with histidine.
Molecular consequence: missense variant.
Genome position (GRCh38, 1-based): chr18:46,592,016, C>T on the plus strand (G>A on the coding strand, the complement: LOXHD1 is on the minus strand). VCF-style: chr18-46592016-C-T. GRCh37 (hg19) VCF-style: chr18-44171979-C-T.
Other names: c.1571G>A, p.Arg524His (NM_144612.7); short protein forms R524H.
Identifiers: ClinVar variation 47918 (VCV000047918.48), dbSNP rs187658135, ClinGen allele CA142185.

ClinVar aggregate classification (germline): Conflicting classifications of pathogenicity. Review status: criteria provided, conflicting classifications (1 of 4 stars). 11 submissions from 11 submitters: Likely pathogenic (1); Uncertain significance (8). 2 of the submissions do not count toward it. Last evaluated 2026-09-09.

Conditions:
LOXHD1-related disorder. Also called: LOXHD1-related condition.
Inborn genetic diseases. Identifiers: MedGen C0950123, MeSH D030342.
Autosomal recessive nonsyndromic hearing loss 77. Identifiers: Orphanet 90636, MedGen C2746083, MONDO:0013119, OMIM 613079.

Allele frequency attached by ClinVar (database versions not stated): gnomAD 0.00022; gnomAD exomes 0.00041; TOPMed 0.00044; ESP Exome Variant Server 0.00022; ExAC 0.00051; 1000 Genomes Project 30x 0.00016; 1000 Genomes Project 0.00020.
gnomAD v4.1: 521 of 1,552,202 alleles (0.034%); highest among the groups gnomAD compares: Middle Eastern, 0.15%; 1 homozygote.

Submissions (11):

PreventionGenetics, part of Exact Sciences
Classification: Uncertain significance for LOXHD1-related condition. Last evaluated: 2026-09-09. Review status: criteria provided, single submitter. Criteria: ACMG Guidelines, 2015. Collection method: clinical testing. Allele origin: germline.
Comment: The LOXHD1 c.1571G>A variant is predicted to result in the amino acid substitution p.Arg524His. This variant was reported in an individual with hearing loss, although a second potentially causative variant in this gene was not identified (Liu et al. 2022. PubMed ID: 35114279). This variant is reported in 0.088% of alleles in individuals of South Asian descent in gnomAD. Although we suspect that this variant may be benign, at this time, the clinical significance of this variant is uncertain due to the absence of conclusive functional and genetic evidence.

CeGaT Center for Human Genetics Tuebingen
Classification: Uncertain significance. Last evaluated: 2026-09-01. Review status: criteria provided, single submitter. Criteria: CeGaT Center For Human Genetics Tuebingen Variant Classification Criteria Version 2. Collection method: clinical testing. Allele origin: germline. Affected: yes. Observed: 2 variant alleles.

Blueprint Genetics
Classification: Uncertain significance. Last evaluated: 2024-10-04. Review status: criteria provided, single submitter. Criteria: ACMG Guidelines, 2015. Collection method: clinical testing. Allele origin: germline.

Laboratory of Prof. Karen Avraham, Tel Aviv University
Classification: Likely pathogenic for Autosomal recessive nonsyndromic hearing loss 77. Last evaluated: 2024-08-20. Review status: criteria provided, single submitter. Criteria: ACMG Guidelines, 2015. Collection method: research. Allele origin: germline. Affected: yes. Observed: 1 variant allele.
Comment: This p.(Arg524His) variant is rare and preddicted deleterious by many prediction programs.

DFNB77

Labcorp Genetics (formerly Invitae), Labcorp
Classification: Uncertain significance. Last evaluated: 2022-10-28. Review status: criteria provided, single submitter. Criteria: Invitae Variant Classification Sherloc (09022015). Collection method: clinical testing. Allele origin: germline.
Comment: This sequence change replaces arginine, which is basic and polar, with histidine, which is basic and polar, at codon 524 of the LOXHD1 protein (p.Arg524His). This variant is present in population databases (rs187658135, gnomAD 0.1%), including at least one homozygous and/or hemizygous individual. This variant has not been reported in the literature in individuals affected with LOXHD1-related conditions. ClinVar contains an entry for this variant (Variation ID: 47918). Algorithms developed to predict the effect of missense changes on protein structure and function are either unavailable or do not agree on the potential impact of this missense change (SIFT: "Deleterious"; PolyPhen-2: "Probably Damaging"; Align-GVGD: "Class C0"). In summary, the available evidence is currently insufficient to determine the role of this variant in disease. Therefore, it has been classified as a Variant of Uncertain Significance.

Ambry Genetics
Classification: Uncertain significance for Inborn genetic diseases. Last evaluated: 2021-07-13. Review status: criteria provided, single submitter. Criteria: Ambry Variant Classification Scheme 2023. Collection method: clinical testing. Allele origin: germline.

Illumina Laboratory Services, Illumina
Classification: Uncertain significance for Autosomal recessive nonsyndromic hearing loss 77. Last evaluated: 2018-01-13. Review status: criteria provided, single submitter. Criteria: ICSL Variant Classification Criteria 13 December 2019. Collection method: clinical testing. Allele origin: germline.

Laboratory for Molecular Medicine, Mass General Brigham Personalized Medicine
Classification: Uncertain significance. Last evaluated: 2013-03-04. Review status: criteria provided, single submitter. Criteria: LMM Criteria. Collection method: clinical testing. Allele origin: germline. Inheritance: Autosomal recessive inheritance. Observed: 1 variant allele.
Comment: The Arg524His variant has not been reported in individuals affected with hearing loss, but has been identified in 1/3182 (0.03%) European American chromosomes b y the NHLBI Exome Sequencing Project and in 1/1000 (0.1%) chromosomes by the 100 0 Genome Project (dbSNP rs187658135). Although this variant has been seen in the general population, its frequency is not high enough to rule out a pathogenic role. Computational analyses (biochemical amino acid properties, conservation, AlignGVGD, PolyPhen2, and SIFT) do not provide s trong support for or against an impact to the protein. This variant has also bee n identified in the heterozygous state in one individual with late onset Fuchs c orneal dystrophy (FCD), however hearing status was not reported (Riazuddin 2012) . This variant's association with FCD has not been reported in other affected in dividuals, which, taken together with the presumed autosomal dominant inheritanc e pattern of FCD, does not support a strong correlation between this variant and FCD. In summary, additional data is needed to determine the clinical significan ce of this variant.

Breakthrough Genomics
Classification: Uncertain significance. Review status: criteria provided, single submitter. Criteria: ACMG Guidelines, 2015. Collection method: not provided. Allele origin: germline. Inheritance: Autosomal recessive inheritance. Affected: yes.

Natera, Inc.
Classification: Uncertain significance for Autosomal recessive deafness type 77. Last evaluated: 2020-01-17. Review status: no assertion criteria provided. Collection method: clinical testing. Allele origin: germline. Not counted in ClinVar's aggregate classification.

Counsyl
Classification: Uncertain significance for Autosomal recessive nonsyndromic hearing loss 77. Last evaluated: 2017-05-23. Review status: no assertion criteria provided. Collection method: clinical testing. Allele origin: unknown. Not counted in ClinVar's aggregate classification.